The following is an entry in ClinVar:

NM_017841.4(SDHAF2):c.455G>C (p.Arg152Thr)

Gene: SDHAF2 (succinate dehydrogenase complex assembly factor 2; plus strand). Cytogenetic location: 11q12.2.
Variant type: single nucleotide variant.
Coding change: c.455G>C on transcript NM_017841.4 (MANE Select); coding-DNA position 455, G replaced by C.
Protein change: p.Arg152Thr; replaces arginine 152 with threonine.
Molecular consequence: missense variant.
Genome position (GRCh38, 1-based): chr11:61,446,025, G>C. VCF-style: chr11-61446025-G-C. GRCh37 (hg19) VCF-style: chr11-61213497-G-C.
Other names: short protein forms R152T.
Identifiers: ClinVar variation 2703657 (VCV002703657.3), dbSNP rs2134902085, ClinGen allele CA380685442.

ClinVar aggregate classification (germline): Uncertain significance (1 of 4 stars; one submission).

Conditions:
Hereditary pheochromocytoma and paraganglioma. Also called: Hereditary Paraganglioma-Pheochromocytoma Syndromes; Hereditary pheochromocytoma-paraganglioma; Hereditary paragangliomas and pheochromocytomas. Identifiers: Orphanet 29072, MedGen C4274332, MONDO:0017366.

Submission:

Labcorp Genetics (formerly Invitae), Labcorp
Classification: Uncertain significance for Hereditary pheochromocytoma and paraganglioma. Last evaluated: 2023-05-24. Review status: criteria provided, single submitter. Criteria: Invitae Variant Classification Sherloc (09022015). Collection method: clinical testing. Allele origin: germline.
Comment: In summary, the available evidence is currently insufficient to determine the role of this variant in disease. Therefore, it has been classified as a Variant of Uncertain Significance. This variant is not present in population databases (gnomAD no frequency). This sequence change replaces arginine, which is basic and polar, with threonine, which is neutral and polar, at codon 152 of the SDHAF2 protein (p.Arg152Thr). This variant has not been reported in the literature in individuals affected with SDHAF2-related conditions. An algorithm developed to predict the effect of missense changes on protein structure and function (PolyPhen-2) suggests that this variant is likely to be disruptive.